The following is an entry in ClinVar:

NM_001206927.2(DNAH8):c.11997T>C (p.Ala3999=)

Genes: DNAH8 (dynein axonemal heavy chain 8; plus strand), DNAH8-AS1 (DNAH8 antisense RNA 1; minus strand). Cytogenetic location: 6p21.2.
Variant type: single nucleotide variant.
Coding change: c.11997T>C on transcript NM_001206927.2 (MANE Select); coding-DNA position 11997, T replaced by C.
Protein change: p.Ala3999=; no amino-acid change (alanine 3999 retained).
Molecular consequence: synonymous variant.
Genome position (GRCh38, 1-based): chr6:38,938,978, T>C. VCF-style: chr6-38938978-T-C. GRCh37 (hg19) VCF-style: chr6-38906754-T-C.
Other names: c.11346T>C, p.Ala3782= (NM_001371.4).
Identifiers: ClinVar variation 414414 (VCV000414414.25), dbSNP rs148812133, ClinGen allele CA3791227.
Genomic context (GRCh38, chr6:38,938,978, plus strand): 5'-CCTCATGACCTTAAAGATTGACCTTCAGAGAGGGACAGTTAAGCACAGAGAGTTTCAAGC[T>C]CTCATTAAAGGTAAAGTGTGTGGGATACAGATGTGGTGTGTGGAGGATGTTGCTTTTGAT-3'
Protein context (NP_001193856.1, residues 3989-4009): RGTVKHREFQ[Ala3999=]LIKGGAALDL

ClinVar aggregate classification (germline): Benign. Review status: criteria provided, multiple submitters, no conflicts (2 of 4 stars). 2 submissions from 2 submitters: Benign (2). Last evaluated 2026-02-01.

Conditions:
Primary ciliary dyskinesia. Also called: Ciliary dyskinesia. Identifiers: Orphanet 244, MedGen C0008780, MONDO:0016575, HP:0012265.

Allele frequency attached by ClinVar (database versions not stated): gnomAD exomes 0.00322 and 0.00124; ESP Exome Variant Server 0.00054; gnomAD 0.00119 and 0.00132; TOPMed 0.00190; 1000 Genomes Project 0.00220; 1000 Genomes Project 30x 0.00250; ExAC 0.00316.
gnomAD v4.1: 1,996 of 1,612,754 alleles (0.12%); highest among the groups gnomAD compares: Admixed American, 1.2%; 13 homozygotes.

Submissions (2):

Labcorp Genetics (formerly Invitae), Labcorp
Classification: Benign for Primary ciliary dyskinesia. Last evaluated: 2026-02-01. Review status: criteria provided, single submitter. Criteria: Invitae Variant Classification Sherloc (09022015). Collection method: clinical testing. Allele origin: germline.

CeGaT Center for Human Genetics Tuebingen
Classification: Benign. Last evaluated: 2025-02-01. Review status: criteria provided, single submitter. Criteria: CeGaT Center For Human Genetics Tuebingen Variant Classification Criteria Version 2. Collection method: clinical testing. Allele origin: germline. Affected: yes. Observed: 1 variant allele.
Comment: DNAH8: BP4, BP7, BS1, BS2